The following is an entry in ClinVar:

ClinVar aggregate classification (germline): Uncertain significance (1 of 4 stars; one submission).

Submission:

Labcorp Genetics (formerly Invitae), Labcorp
Classification: Uncertain significance. Last evaluated: 2022-04-05. Review status: criteria provided, single submitter. Criteria: Invitae Variant Classification Sherloc (09022015). Collection method: clinical testing. Allele origin: germline.
Comment: This sequence change creates a premature translational stop signal (p.Asp776Leufs*7) in the RINT1 gene. While this is not anticipated to result in nonsense mediated decay, it is expected to disrupt the last 17 amino acid(s) of the RINT1 protein. This variant is not present in population databases (gnomAD no frequency). This variant has not been reported in the literature in individuals affected with RINT1-related conditions. Experimental studies and prediction algorithms are not available or were not evaluated, and the functional significance of this variant is currently unknown. In summary, the available evidence is currently insufficient to determine the role of this variant in disease. Therefore, it has been classified as a Variant of Uncertain Significance.

NM_021930.6(RINT1):c.2326_2329del (p.Asp776fs)

Genes: EFCAB10 (EF-hand calcium binding domain 10; minus strand), RINT1 (RAD50 interactor 1; plus strand). Cytogenetic location: 7q22.3.
Variant type: Deletion.
Coding change: c.2326_2329del on transcript NM_021930.6 (MANE Select); coding-DNA positions 2326 to 2329, 4 bases deleted (GATG; older notation c.2326_2329delGATG).
Protein change: p.Asp776fs; shifts the reading frame from aspartic acid 776.
Molecular consequence: frameshift variant. On other transcripts: 3 prime UTR variant (2), non-coding transcript variant (1), intron variant (3).
Genome position (GRCh38, 1-based): chr7:105,567,258-105,567,261, GATG deleted. VCF-style (leftmost placement, unchanged base first): chr7-105567257-AGATG-A. GRCh37 (hg19) VCF-style: chr7-105207704-AGATG-A.
Other names: c.*193_*196del (NM_001355527.2, NM_001355529.2); c.2092_2095del, p.Asp698fs (NM_001346599.2); c.1303_1306del, p.Asp435fs (NM_001346600.2, NM_001346603.2); c.1402_1405del, p.Asp468fs (NM_001346601.2); c.360-1814_360-1811del (NM_001355531.2); c.383+206_383+209del (NM_001355526.2, NM_001355530.2); short protein forms D776fs, D435fs, D468fs, D698fs.
Identifiers: ClinVar variation 2120829 (VCV002120829.4), dbSNP rs2485203689, ClinGen allele CA2580076147.